The following is an entry in ClinVar:

ClinVar aggregate classification (germline): Uncertain significance (1 of 4 stars; one submission).

Conditions:
Autosomal dominant limb-girdle muscular dystrophy type 1G (LGMDD3). Also called: Limb-girdle muscular dystrophy, type 1G; MUSCULAR DYSTROPHY, LIMB-GIRDLE, AUTOSOMAL DOMINANT 3. Identifiers: Orphanet 55596, MedGen C1836765, MONDO:0012193, OMIM 609115.

Submission:

3billion
Classification: Uncertain significance for Autosomal dominant limb-girdle muscular dystrophy type 1G. Last evaluated: 2025-12-10. Review status: criteria provided, single submitter. Criteria: ACMG Guidelines, 2015. Collection method: clinical testing. Allele origin: germline. Affected: yes.
Comment: The variant is not observed in the gnomAD v4.1.0 dataset. Predicted Consequence/Location: Missense variant. Missense changes are a common disease-causing mechanism. In silico tools predict the variant to alter splicing and produce an abnormal transcript [SpliceAI: 0.20 (>=0.2, moderate evidence for spliceogenicity)]. Therefore, this variant is classified as VUS according to the recommendation of ACMG/AMP guideline.

NM_031372.4(HNRNPDL):c.487G>A (p.Asp163Asn)

Gene: HNRNPDL (heterogeneous nuclear ribonucleoprotein D like; minus strand). Cytogenetic location: 4q21.22.
Variant type: single nucleotide variant.
Coding change: c.487G>A on transcript NM_031372.4 (MANE Select); coding-DNA position 487, G replaced by A.
Protein change: p.Asp163Asn; replaces aspartic acid 163 with asparagine.
Molecular consequence: missense variant. On other transcripts: non-coding transcript variant (1).
Genome position (GRCh38, 1-based): chr4:82,428,403, C>T on the plus strand (G>A on the coding strand, the complement: HNRNPDL is on the minus strand). VCF-style: chr4-82428403-C-T. GRCh37 (hg19) VCF-style: chr4-83349556-C-T.
Other names: c.487G>A, p.Asp163Asn (NM_001207000.1); short protein forms D163N.
Identifiers: ClinVar variation 4853909 (VCV004853909.1).